The following is an entry in ClinVar:

NM_007118.4(TRIO):c.8647C>T (p.Arg2883Ter)

Gene: TRIO (trio Rho guanine nucleotide exchange factor; plus strand). Cytogenetic location: 5p15.2.
Variant type: single nucleotide variant.
Coding change: c.8647C>T on transcript NM_007118.4 (MANE Select); coding-DNA position 8647, C replaced by T.
Protein change: p.Arg2883Ter; replaces arginine 2883 with a stop codon.
Molecular consequence: nonsense. On other transcripts: non-coding transcript variant (1).
Genome position (GRCh38, 1-based): chr5:14,507,156, C>T. VCF-style: chr5-14507156-C-T. GRCh37 (hg19) VCF-style: chr5-14507265-C-T.
Other names: short protein forms R2883*.
Identifiers: ClinVar variation 1031147 (VCV001031147.4), dbSNP rs1438153964, ClinGen allele CA359240403.
Genomic context (GRCh38, chr5:14,507,156, plus strand): 5'-ACAGTCACCCGCTCCTGCCTCTTTAGGGCTGACCAGGGTCGCCTCCTGGACTGCGTGGTG[C>T]GATGGGGAAGCCTCACTGAAGGGAAGATCAGGGCGCACCTGGGGGAGGTTCTGGAAGCTG-3'

ClinVar aggregate classification (germline): Uncertain significance. Review status: criteria provided, multiple submitters, no conflicts (2 of 4 stars). 3 submissions from 3 submitters: Uncertain significance (3). Last evaluated 2024-12-18.

Conditions:
Intellectual developmental disorder, autosomal dominant 44, with microcephaly. Also called: Micrognathia-recurrent infections-behavioral abnormalities-mild intellectual disability syndrome; TRIO-Related Intellectual Disability. Identifiers: Orphanet 476126, MedGen C4310740, MONDO:0014892, OMIM 617061.
Intellectual developmental disorder, autosomal dominant 63, with macrocephaly. Also called: MENTAL RETARDATION, AUTOSOMAL DOMINANT 63, WITH MACROCEPHALY. Identifiers: MedGen C5394205, MONDO:0032939, OMIM 618825.

Allele frequency attached by ClinVar (database versions not stated): gnomAD exomes below 0.00001; TOPMed below 0.00001.

Submissions (3):

Genomic Medicine Center of Excellence, King Faisal Specialist Hospital and Research Centre
Classification: Uncertain significance for Intellectual developmental disorder, autosomal dominant 44, with microcephaly. Last evaluated: 2024-12-18. Review status: criteria provided, single submitter. Criteria: ACMG Guidelines, 2015. Collection method: clinical testing. Allele origin: germline.

Baylor Genetics
Classification: Uncertain significance for Intellectual developmental disorder, autosomal dominant 44, with microcephaly. Last evaluated: 2020-05-05. Review status: criteria provided, single submitter. Criteria: ACMG Guidelines, 2015. Collection method: clinical testing. Allele origin: unknown. Affected: yes.
Comment: This variant was determined to be of uncertain significance according to ACMG Guidelines, 2015 [PMID:25741868].

Juno Genomics, Hangzhou Juno Genomics, Inc
Classification: Uncertain significance for Intellectual developmental disorder, autosomal dominant 44, with microcephaly; Intellectual developmental disorder, autosomal dominant 63, with macrocephaly. Review status: criteria provided, single submitter. Criteria: ACMG Guidelines, 2015. Collection method: clinical testing. Allele origin: germline.
Comment: Null variant in a gene where loss of function (LOF) is a known mechanism of disease.;Absent from controls (or at extremely low frequency if recessive) in Genome Aggregation Database.